The following is an entry in ClinVar:

NM_002242.4(KCNJ13):c.305A>G (p.Tyr102Cys)

Genes: GIGYF2 (GRB10 interacting GYF protein 2; plus strand), KCNJ13 (potassium inwardly rectifying channel subfamily J member 13; minus strand). Cytogenetic location: 2q37.1.
Variant type: single nucleotide variant.
Coding change: c.305A>G on transcript NM_002242.4 (MANE Select); coding-DNA position 305, A replaced by G.
Protein change: p.Tyr102Cys; replaces tyrosine 102 with cysteine.
Molecular consequence: missense variant. On other transcripts: intron variant (5).
Genome position (GRCh38, 1-based): chr2:232,771,058, T>C on the plus strand (A>G on the coding strand, the complement: KCNJ13 is on the minus strand). VCF-style: chr2-232771058-T-C. GRCh37 (hg19) VCF-style: chr2-233635768-T-C.
Other names: c.65A>G, p.Tyr22Cys (NM_001172417.1); c.532+9622T>C (NM_001103146.3, NM_015575.4, NM_001103148.2); c.533-5354T>C (NM_001103147.2); c.224+81A>G (NM_001172416.1); short protein forms Y102C, Y22C.
Identifiers: ClinVar variation 1017594 (VCV001017594.8), dbSNP rs776705101, ClinGen allele CA2170063.
Genomic context (GRCh38, chr2:232,771,058, plus strand): 5'-TAACCAATTGTGAGTTGTGTCTCCAGGGAGAAGGAGAATGCAGCTGTGAAACTGGTGATA[T>C]ACTTGACACAGATAGTGTGGTTTTCAGGTGGGGCATCATGATCTAGTTCCAGATCACCAT-3'
Protein context (NP_002233.2, residues 92-112): PPENHTICVK[Tyr102Cys]ITSFTAAFSF

ClinVar aggregate classification (germline): Uncertain significance (1 of 4 stars; one submission).

Allele frequency attached by ClinVar (database versions not stated): gnomAD exomes below 0.00001 and 0.00001; ExAC 0.00001; TOPMed 0.00001.
gnomAD v4.1: 2 of 1,614,102 alleles (0.00012%); highest among the groups gnomAD compares: Admixed American, 0.0017%; no homozygotes.

Submission:

Labcorp Genetics (formerly Invitae), Labcorp
Classification: Uncertain significance. Last evaluated: 2025-12-31. Review status: criteria provided, single submitter. Criteria: Invitae Variant Classification Sherloc (09022015). Collection method: clinical testing. Allele origin: germline.
Comment: This sequence change replaces tyrosine, which is neutral and polar, with cysteine, which is neutral and slightly polar, at codon 102 of the KCNJ13 protein (p.Tyr102Cys). This variant is present in population databases (rs776705101, gnomAD 0.003%). This variant has not been reported in the literature in individuals affected with KCNJ13-related conditions. ClinVar contains an entry for this variant (Variation ID: 1017594). Invitae Evidence Modeling of protein sequence and biophysical properties (such as structural, functional, and spatial information, amino acid conservation, physicochemical variation, residue mobility, and thermodynamic stability) has been performed for this missense variant. However, the output from this modeling did not meet the statistical confidence thresholds required to predict the impact of this variant on KCNJ13 protein function. In summary, the available evidence is currently insufficient to determine the role of this variant in disease. Therefore, it has been classified as a Variant of Uncertain Significance.